The following is an entry in ClinVar:

NM_006939.4(SOS2):c.1009C>A (p.Leu337Ile)

Gene: SOS2 (SOS Ras/Rho guanine nucleotide exchange factor 2; minus strand). Cytogenetic location: 14q21.3.
Variant type: single nucleotide variant.
Coding change: c.1009C>A on transcript NM_006939.4 (MANE Select); coding-DNA position 1009, C replaced by A.
Protein change: p.Leu337Ile; replaces leucine 337 with isoleucine.
Molecular consequence: missense variant.
Genome position (GRCh38, 1-based): chr14:50,174,513, G>T on the plus strand (C>A on the coding strand, the complement: SOS2 is on the minus strand). VCF-style: chr14-50174513-G-T. GRCh37 (hg19) VCF-style: chr14-50641231-G-T.
Other names: c.1009C>A (NM_006939.2); short protein forms L337I.
Identifiers: ClinVar variation 1355035 (VCV001355035.9), dbSNP rs1204583343, ClinGen allele CA389646797.
Genomic context (GRCh38, chr14:50,174,513, plus strand): 5'-CCTTTAGTAACTCAAAGTAGTGCCAACAGTGATACACTGGCACCAGCATAAGACGTGGAA[G>T]GACATAACGAACTGCCTCTTTAAAACCATCAGCAATGGACTGCAAAGCAAAAAGATATCA-3'
Protein context (NP_008870.2, residues 327-347): DGFKEAVRYV[Leu337Ile]PRLMLVPVYH

ClinVar aggregate classification (germline): Uncertain significance. Review status: criteria provided, multiple submitters, no conflicts (2 of 4 stars). 2 submissions from 2 submitters: Uncertain significance (2). Last evaluated 2025-10-11.

Conditions:
Cardiovascular phenotype. Identifiers: MedGen CN230736.
Noonan syndrome 9 (NS9). Identifiers: Orphanet 648, MedGen C4225282, MONDO:0014691, OMIM 616559.

Allele frequency attached by ClinVar (database versions not stated): gnomAD exomes below 0.00001; TOPMed below 0.00001; gnomAD 0.00001.
gnomAD v4.1: 3 of 1,609,724 alleles (0.00019%); highest among the groups gnomAD compares: Non-Finnish European, 0.00025%; no homozygotes.

Submissions (2):

Labcorp Genetics (formerly Invitae), Labcorp
Classification: Uncertain significance for Noonan syndrome 9. Last evaluated: 2025-10-11. Review status: criteria provided, single submitter. Criteria: Invitae Variant Classification Sherloc (09022015). Collection method: clinical testing. Allele origin: germline.
Comment: This sequence change replaces leucine, which is neutral and non-polar, with isoleucine, which is neutral and non-polar, at codon 337 of the SOS2 protein (p.Leu337Ile). This variant is not present in population databases (gnomAD no frequency). This variant has not been reported in the literature in individuals affected with SOS2-related conditions. ClinVar contains an entry for this variant (Variation ID: 1355035). Invitae Evidence Modeling of protein sequence and biophysical properties (such as structural, functional, and spatial information, amino acid conservation, physicochemical variation, residue mobility, and thermodynamic stability) has been performed for this missense variant. However, the output from this modeling did not meet the statistical confidence thresholds required to predict the impact of this variant on SOS2 protein function. In summary, the available evidence is currently insufficient to determine the role of this variant in disease. Therefore, it has been classified as a Variant of Uncertain Significance.

Ambry Genetics
Classification: Uncertain significance for Cardiovascular phenotype. Last evaluated: 2024-05-05. Review status: criteria provided, single submitter. Criteria: Ambry Variant Classification Scheme 2023. Collection method: clinical testing. Allele origin: germline.
Comment: The p.L337I variant (also known as c.1009C>A), located in coding exon 8 of the SOS2 gene, results from a C to A substitution at nucleotide position 1009. The leucine at codon 337 is replaced by isoleucine, an amino acid with highly similar properties. This amino acid position is conserved. In addition, this alteration is predicted to be deleterious by in silico analysis. Based on the available evidence, the clinical significance of this variant remains unclear.